The following is an entry in ClinVar:

NM_000393.5(COL5A2):c.3229G>A (p.Gly1077Ser)

Gene: COL5A2 (collagen type V alpha 2 chain; minus strand). Cytogenetic location: 2q32.2.
Variant type: single nucleotide variant.
Coding change: c.3229G>A on transcript NM_000393.5 (MANE Select); coding-DNA position 3229, G replaced by A.
Protein change: p.Gly1077Ser; replaces glycine 1077 with serine.
Molecular consequence: missense variant.
Genome position (GRCh38, 1-based): chr2:189,045,880, C>T on the plus strand (G>A on the coding strand, the complement: COL5A2 is on the minus strand). VCF-style: chr2-189045880-C-T. GRCh37 (hg19) VCF-style: chr2-189910606-C-T.
Other names: short protein forms G1077S.
Identifiers: ClinVar variation 3255178 (VCV003255178.1), dbSNP rs765030210.

ClinVar aggregate classification (germline): Uncertain significance (1 of 4 stars; one submission).

Conditions:
Ehlers-Danlos syndrome, classic type, 2 (EDSCL2). Also called: Ehlers-Danlos syndrome, type 2; Ehlers-Danlos syndrome type 2 (formerly); Ehlers-Danlos Syndrome, Classic Type, COL5A2-Related. Identifiers: Orphanet 287, Orphanet 90318, MedGen C0268336, MONDO:0019568, OMIM 130010.

Allele frequency attached by ClinVar (database versions not stated): gnomAD exomes below 0.00001; ExAC 0.00001.
gnomAD v4.1: 1 of 1,614,168 alleles (0.000062%); highest among the groups gnomAD compares: Non-Finnish European, 0.000085%; no homozygotes.

Submission:

Victorian Clinical Genetics Services, Murdoch Childrens Research Institute
Classification: Uncertain significance for Ehlers-Danlos syndrome, classic type, 2. Last evaluated: 2023-07-17. Review status: criteria provided, single submitter. Criteria: ACMG Guidelines, 2015. Collection method: clinical testing. Allele origin: germline. Inheritance: Autosomal dominant inheritance. Affected: yes.
Comment: Based on the classification scheme VCGS_Germline_v1.3.4, this variant is classified as VUS-3B. Following criteria are met: 0104 - Dominant negative is a likely mechanism of disease in this gene and is associated with classic type Ehlers-Danlos syndrome 2 (MIM#130010) (GeneReviews; PMIDs: 23587214, 20847697). (I) 0107 - This gene is associated with autosomal dominant disease. (I) 0115 - Variants in this gene are known to have variable expressivity. Intrafamilial and interfamilial phenotypic variability have been reported (GeneReviews, PMID: 20847697). (I) 0200 - Variant is predicted to result in a missense amino acid change from glycine to serine. (I) 0251 - This variant is heterozygous. (I) 0302 - Variant is present in gnomAD <0.001 for a dominant condition (v2: 1 heterozygote, 0 homozygotes). (SP) 0309 - An alternative amino acid change at the same position has been observed in gnomAD (v3: 1 heterozygote, 0 homozygotes). (I) 0501 - Missense variant consistently predicted to be damaging by multiple in silico tools or highly conserved with a major amino acid change. (SP) 0601 - Variant is located in the well-established functional Gly-X-Y motif within the collagen repeat domain, and affects a glycine residue (UCSC). However, the pathogenicity of missense variants affecting these residues is not well established. (I) 0705 - No comparable missense variants have previous evidence for pathogenicity. (I) 0807 - This variant has no previous evidence of pathogenicity. (I) 0905 - No published segregation evidence has been identified for this variant. (I) 1007 - No published functional evidence has been identified for this variant. (I) 1208 - Inheritance information for this variant is not currently available in this individual. (I) Legend: (SP) - Supporting pathogenic, (I) - Information, (SB) - Supporting benign

Literature cited by the submitters: PubMed 20847697; PubMed 23587214.